The following is an entry in ClinVar:

NM_000180.4(GUCY2D):c.2795T>G (p.Met932Arg)

Gene: GUCY2D (guanylate cyclase 2D, retinal; plus strand). Cytogenetic location: 17p13.1.
Variant type: single nucleotide variant.
Coding change: c.2795T>G on transcript NM_000180.4 (MANE Select); coding-DNA position 2795, T replaced by G.
Protein change: p.Met932Arg; replaces methionine 932 with arginine.
Molecular consequence: missense variant.
Genome position (GRCh38, 1-based): chr17:8,015,353, T>G. VCF-style: chr17-8015353-T-G. GRCh37 (hg19) VCF-style: chr17-7918671-T-G.
Other names: short protein forms M932R.
Identifiers: ClinVar variation 1053499 (VCV001053499.9), dbSNP rs766418901, ClinGen allele CA8366232.

ClinVar aggregate classification (germline): Uncertain significance (1 of 4 stars; one submission).

Conditions:
Cone-rod dystrophy 6 (CORD6). Also called: RETINAL CONE DYSTROPHY 2; Cone dystrophy progressive. Identifiers: Orphanet 1872, MedGen C1866293, MONDO:0011143, OMIM 601777.
Leber congenital amaurosis 1 (LCA1). Also called: Congenital absence of the rods and cones; Leber's congenital tapetoretinal degeneration; Leber's congenital tapetoretinal dysplasia; RETINAL BLINDNESS, CONGENITAL; AMAUROSIS CONGENITA OF LEBER I. Identifiers: Orphanet 65, MedGen C2931258, MONDO:0008764, OMIM 204000.

Allele frequency attached by ClinVar (database versions not stated): gnomAD exomes below 0.00001 and 0.00001; ExAC 0.00001; TOPMed 0.00001.
gnomAD v4.1: 2 of 1,609,898 alleles (0.00012%); highest among the groups gnomAD compares: Admixed American, 0.0017%; no homozygotes.

Submission:

Labcorp Genetics (formerly Invitae), Labcorp
Classification: Uncertain significance for Leber congenital amaurosis 1; Cone-rod dystrophy 6. Last evaluated: 2022-06-14. Review status: criteria provided, single submitter. Criteria: Invitae Variant Classification Sherloc (09022015). Collection method: clinical testing. Allele origin: germline.
Comment: In summary, the available evidence is currently insufficient to determine the role of this variant in disease. Therefore, it has been classified as a Variant of Uncertain Significance. Algorithms developed to predict the effect of missense changes on protein structure and function (SIFT, PolyPhen-2, Align-GVGD) all suggest that this variant is likely to be disruptive. ClinVar contains an entry for this variant (Variation ID: 1053499). This variant has not been reported in the literature in individuals affected with GUCY2D-related conditions. This variant is present in population databases (rs766418901, gnomAD 0.009%). This sequence change replaces methionine, which is neutral and non-polar, with arginine, which is basic and polar, at codon 932 of the GUCY2D protein (p.Met932Arg).